The following is an entry in ClinVar:

NM_001365951.3(KIF1B):c.3815T>C (p.Val1272Ala)

Gene: KIF1B (kinesin family member 1B; plus strand). Cytogenetic location: 1p36.22.
Variant type: single nucleotide variant.
Coding change: c.3815T>C on transcript NM_001365951.3 (MANE Select); coding-DNA position 3815, T replaced by C.
Protein change: p.Val1272Ala; replaces valine 1272 with alanine.
Molecular consequence: missense variant.
Genome position (GRCh38, 1-based): chr1:10,347,778, T>C. VCF-style: chr1-10347778-T-C. GRCh37 (hg19) VCF-style: chr1-10407836-T-C.
Other names: c.3815T>C, p.Val1272Ala (NM_001365952.1); c.3677T>C, p.Val1226Ala (NM_015074.3); short protein forms V1272A, V1226A.
Identifiers: ClinVar variation 1733844 (VCV001733844.8), dbSNP rs1389726837, ClinGen allele CA338343096.

ClinVar aggregate classification (germline): Uncertain significance. Review status: criteria provided, multiple submitters, no conflicts (2 of 4 stars). 2 submissions from 2 submitters: Uncertain significance (2). Last evaluated 2025-10-22.

Conditions:
Charcot-Marie-Tooth disease type 2. Also called: Charcot-Marie-Tooth type 2. Identifiers: Orphanet 64746, MedGen C0270914, MONDO:0018993.

Allele frequency attached by ClinVar (database versions not stated): TOPMed 0.00001; gnomAD exomes below 0.00001.
gnomAD v4.1: 2 of 1,613,324 alleles (0.00012%); highest among the groups gnomAD compares: Non-Finnish European, 0.00017%; no homozygotes.

Submissions (2):

Ambry Genetics
Classification: Uncertain significance. Last evaluated: 2025-10-22. Review status: criteria provided, single submitter. Criteria: Ambry Variant Classification Scheme 2023. Collection method: clinical testing. Allele origin: germline.
Comment: The p.V1226A variant (also known as c.3677T>C), located in coding exon 33 of the KIF1B gene, results from a T to C substitution at nucleotide position 3677. The valine at codon 1226 is replaced by alanine, an amino acid with similar properties. This amino acid position is conserved. In addition, this alteration is predicted to be deleterious by in silico analysis. Since supporting evidence is limited at this time, the clinical significance of this alteration remains unclear.

Labcorp Genetics (formerly Invitae), Labcorp
Classification: Uncertain significance for Charcot-Marie-Tooth disease type 2. Last evaluated: 2025-07-27. Review status: criteria provided, single submitter. Criteria: Invitae Variant Classification Sherloc (09022015). Collection method: clinical testing. Allele origin: germline.
Comment: This sequence change replaces valine, which is neutral and non-polar, with alanine, which is neutral and non-polar, at codon 1226 of the KIF1B protein (p.Val1226Ala). This variant is not present in population databases (gnomAD no frequency). This variant has not been reported in the literature in individuals affected with KIF1B-related conditions. ClinVar contains an entry for this variant (Variation ID: 1733844). An algorithm developed to predict the effect of missense changes on protein structure and function (PolyPhen-2) suggests that this variant is likely to be disruptive. In summary, the available evidence is currently insufficient to determine the role of this variant in disease. Therefore, it has been classified as a Variant of Uncertain Significance.